The following is an entry in ClinVar:

NM_003098.3(SNTA1):c.10G>T (p.Gly4Cys)

Genes: SNTA1 (syntrophin alpha 1; minus strand), LOC130065680 (ATAC-STARR-seq lymphoblastoid silent region 12812; plus strand). Cytogenetic location: 20q11.21.
Variant type: single nucleotide variant.
Coding change: c.10G>T on transcript NM_003098.3 (MANE Select); coding-DNA position 10, G replaced by T.
Protein change: p.Gly4Cys; replaces glycine 4 with cysteine.
Molecular consequence: missense variant.
Genome position (GRCh38, 1-based): chr20:33,443,611, C>A on the plus strand (G>T on the coding strand, the complement: SNTA1 is on the minus strand). VCF-style: chr20-33443611-C-A. GRCh37 (hg19) VCF-style: chr20-32031417-C-A.
Other names: c.10G>T (NM_003098.2); short protein forms G4C.
Identifiers: ClinVar variation 1507262 (VCV001507262.9), dbSNP rs1160832849, ClinGen allele CA408634861.

ClinVar aggregate classification (germline): Uncertain significance. Review status: criteria provided, multiple submitters, no conflicts (2 of 4 stars). 2 submissions from 2 submitters: Uncertain significance (2). Last evaluated 2025-05-03.

Conditions:
Cardiovascular phenotype. Identifiers: MedGen CN230736.
Long QT syndrome (LQTS). Identifiers: MedGen C0023976, MeSH D008133, MONDO:0002442. Disease mechanism: loss of function. Inheritance: Various modes of inheritance.

gnomAD v4.1: 11 of 1,226,166 alleles (0.0009%); highest among the groups gnomAD compares: Non-Finnish European, 0.001%; no homozygotes.

Submissions (2):

Ambry Genetics
Classification: Uncertain significance for Cardiovascular phenotype. Last evaluated: 2025-05-03. Review status: criteria provided, single submitter. Criteria: Ambry Variant Classification Scheme 2023. Collection method: clinical testing. Allele origin: germline.
Comment: The p.G4C variant (also known as c.10G>T), located in coding exon 1 of the SNTA1 gene, results from a G to T substitution at nucleotide position 10. The glycine at codon 4 is replaced by cysteine, an amino acid with highly dissimilar properties. This amino acid position is conserved. In addition, this alteration is predicted to be tolerated by in silico analysis. Based on the available evidence, the clinical significance of this variant remains unclear.

Labcorp Genetics (formerly Invitae), Labcorp
Classification: Uncertain significance for Long QT syndrome. Last evaluated: 2021-01-15. Review status: criteria provided, single submitter. Criteria: Invitae Variant Classification Sherloc (09022015). Collection method: clinical testing. Allele origin: germline.
Comment: In summary, the available evidence is currently insufficient to determine the role of this variant in disease. Therefore, it has been classified as a Variant of Uncertain Significance. Algorithms developed to predict the effect of missense changes on protein structure and function are either unavailable or do not agree on the potential impact of this missense change (SIFT: "Tolerated"; PolyPhen-2: "Probably Damaging"; Align-GVGD: "Class C0"). This variant has not been reported in the literature in individuals with SNTA1-related conditions. The frequency data for this variant in the population databases is considered unreliable, as metrics indicate insufficient coverage at this position in the ExAC database. This sequence change replaces glycine with cysteine at codon 4 of the SNTA1 protein (p.Gly4Cys). The glycine residue is weakly conserved and there is a large physicochemical difference between glycine and cysteine.